The following is an entry in ClinVar:

ClinVar aggregate classification (germline): Likely benign (1 of 4 stars; one submission).

Conditions:
Heterotaxy, visceral, 4, autosomal (HTX4). Identifiers: Orphanet 450, MedGen C3151057, MONDO:0013403, OMIM 613751.

Allele frequency attached by ClinVar (database versions not stated): TOPMed 0.00039; gnomAD 0.00086 and 0.00093; 1000 Genomes Project 30x 0.00094; 1000 Genomes Project 0.00120.

Submission:

Illumina Laboratory Services, Illumina
Classification: Likely benign for Heterotaxy, visceral, 4, autosomal. Last evaluated: 2018-01-13. Review status: criteria provided, single submitter. Criteria: ICSL Variant Classification Criteria 13 December 2019. Collection method: clinical testing. Allele origin: germline.
Comment: This variant was observed in the ICSL laboratory as part of a predisposition screen in an ostensibly healthy population. It had not been previously curated by ICSL or reported in the Human Gene Mutation Database (HGMD: prior to June 1st, 2018), and was therefore a candidate for classification through an automated scoring system. Utilizing variant allele frequency, disease prevalence and penetrance estimates, and inheritance mode, an automated score was calculated to assess if this variant is too frequent to cause the disease. Based on the score and internal cut-off values, a variant classified as likely benign is not then subjected to further curation. The score for this variant resulted in a classification of likely benign for this disease.

NM_001106.4(ACVR2B):c.*1831G>A

Gene: ACVR2B (activin A receptor type 2B; plus strand). Cytogenetic location: 3p22.2.
Variant type: single nucleotide variant.
Coding change: c.*1831G>A on transcript NM_001106.4 (MANE Select); 1831 bases downstream of the stop codon, G replaced by A.
Molecular consequence: 3 prime UTR variant.
Genome position (GRCh38, 1-based): chr3:38,485,163, G>A. VCF-style: chr3-38485163-G-A. GRCh37 (hg19) VCF-style: chr3-38526654-G-A.
Identifiers: ClinVar variation 902901 (VCV000902901.4), dbSNP rs148198904, ClinGen allele CA72927776.